The following is an entry in ClinVar:

NM_032122.5(DTNBP1):c.664C>T (p.Arg222Ter)

Gene: DTNBP1 (dystrobrevin binding protein 1; minus strand). Cytogenetic location: 6p22.3.
Variant type: single nucleotide variant.
Coding change: c.664C>T on transcript NM_032122.5 (MANE Select); coding-DNA position 664, C replaced by T.
Protein change: p.Arg222Ter; replaces arginine 222 with a stop codon.
Molecular consequence: nonsense. On other transcripts: non-coding transcript variant (1).
Genome position (GRCh38, 1-based): chr6:15,533,243, G>A on the plus strand (C>T on the coding strand, the complement: DTNBP1 is on the minus strand). VCF-style: chr6-15533243-G-A. GRCh37 (hg19) VCF-style: chr6-15533474-G-A.
Other names: c.421C>T, p.Arg141Ter (NM_001271667.2, NM_183041.1); c.613C>T, p.Arg205Ter (NM_001271668.2); c.559C>T, p.Arg187Ter (NM_001271669.2); c.664C>T, p.Arg222Ter (NM_183040.2); short protein forms R141*, R187*, R205*, R222*.
Identifiers: ClinVar variation 2629061 (VCV002629061.3), dbSNP rs367702294, ClinGen allele CA3643966.

ClinVar aggregate classification (germline): Pathogenic/Likely pathogenic. Review status: criteria provided, multiple submitters, no conflicts (2 of 4 stars). 2 submissions from 2 submitters: Pathogenic (1); Likely pathogenic (1). Last evaluated 2024-04-20.

Conditions:
DTNBP1-related disorder. Also called: DTNBP1-related condition.

Allele frequency attached by ClinVar (database versions not stated): gnomAD 0.00001; TOPMed 0.00001; ESP Exome Variant Server 0.00008.
gnomAD v4.1: 11 of 1,613,560 alleles (0.00068%); highest among the groups gnomAD compares: Middle Eastern, 0.034%; no homozygotes.

Submissions (2):

Labcorp Genetics (formerly Invitae), Labcorp
Classification: Pathogenic. Last evaluated: 2024-04-20. Review status: criteria provided, single submitter. Criteria: Invitae Variant Classification Sherloc (09022015). Collection method: clinical testing. Allele origin: germline.
Comment: This sequence change creates a premature translational stop signal (p.Arg222*) in the DTNBP1 gene. It is expected to result in an absent or disrupted protein product. Loss-of-function variants in DTNBP1 are known to be pathogenic (PMID: 12923531, 23364359). This variant is present in population databases (rs367702294, gnomAD 0.003%). This variant has not been reported in the literature in individuals affected with DTNBP1-related conditions. ClinVar contains an entry for this variant (Variation ID: 2629061). Algorithms developed to predict the effect of sequence changes on RNA splicing suggest that this variant may disrupt the consensus splice site. For these reasons, this variant has been classified as Pathogenic.

PreventionGenetics, part of Exact Sciences
Classification: Likely pathogenic for DTNBP1-related condition. Last evaluated: 2023-02-14. Review status: criteria provided, single submitter. Criteria: ACMG Guidelines, 2015. Collection method: clinical testing. Allele origin: germline.
Comment: The DTNBP1 c.664C>T variant is predicted to result in premature protein termination (p.Arg222*). To our knowledge, this variant has not been reported in the literature. This variant is reported in 0.0033% of alleles in individuals of South Asian descent in gnomAD. Nonsense variants in DTNBP1 are expected to be pathogenic. This variant is interpreted as likely pathogenic.

Literature cited by the submitters: PubMed 12923531 (cited by Labcorp Genetics (formerly Invitae), Labcorp); PubMed 23364359 (cited by Labcorp Genetics (formerly Invitae), Labcorp).